The following is an entry in ClinVar:

ClinVar aggregate classification (germline): Uncertain significance (1 of 4 stars; one submission).

Allele frequency attached by ClinVar (database versions not stated): gnomAD 0.00002; gnomAD exomes 0.00002; ExAC 0.00004; 1000 Genomes Project 30x 0.00031.
gnomAD v4.1: 35 of 1,614,060 alleles (0.0022%); highest among the groups gnomAD compares: South Asian, 0.036%; no homozygotes.

Submission:

CeGaT Center for Human Genetics Tuebingen
Classification: Uncertain significance. Last evaluated: 2023-09-01. Review status: criteria provided, single submitter. Criteria: CeGaT Center For Human Genetics Tuebingen Variant Classification Criteria Version 2. Collection method: clinical testing. Allele origin: germline. Affected: yes. Observed: 3 variant alleles.
Comment: NSUN3: PM2, PM3:Supporting

NM_022072.5(NSUN3):c.353C>T (p.Ala118Val)

Gene: NSUN3 (NOP2/Sun RNA methyltransferase 3; plus strand). Cytogenetic location: 3q11.2.
Variant type: single nucleotide variant.
Coding change: c.353C>T on transcript NM_022072.5 (MANE Select); coding-DNA position 353, C replaced by T.
Protein change: p.Ala118Val; replaces alanine 118 with valine.
Molecular consequence: missense variant.
Genome position (GRCh38, 1-based): chr3:94,084,337, C>T. VCF-style: chr3-94084337-C-T. GRCh37 (hg19) VCF-style: chr3-93803181-C-T.
Other names: short protein forms A118V.
Identifiers: ClinVar variation 2583017 (VCV002583017.25), dbSNP rs765026110, ClinGen allele CA2504683.